The following is an entry in ClinVar:

ClinVar aggregate classification (germline): Pathogenic (1 of 4 stars; one submission).

Conditions:
Christianson syndrome (MRXSCH). Also called: X-linked mental retardation, syndromic, Christianson type; SLC9A6-Related Syndromic Mental Retardation; INTELLECTUAL DEVELOPMENTAL DISORDER, X-LINKED, SYNDROMIC, CHRISTIANSON TYPE. Identifiers: Orphanet 85278, MedGen C2678194, MONDO:0010278, OMIM 300243.

Submission:

Labcorp Genetics (formerly Invitae), Labcorp
Classification: Pathogenic for Christianson syndrome. Last evaluated: 2024-06-04. Review status: criteria provided, single submitter. Criteria: Invitae Variant Classification Sherloc (09022015). Collection method: clinical testing. Allele origin: germline.
Comment: This sequence change creates a premature translational stop signal (p.Gly416*) in the SLC9A6 gene. It is expected to result in an absent or disrupted protein product. Loss-of-function variants in SLC9A6 are known to be pathogenic (PMID: 18342287). This variant is not present in population databases (gnomAD no frequency). This variant has not been reported in the literature in individuals affected with SLC9A6-related conditions. For these reasons, this variant has been classified as Pathogenic.

Literature cited by the submitters: PubMed 18342287.

NM_001379110.1(SLC9A6):c.1186G>T (p.Gly396Ter)

Gene: SLC9A6 (solute carrier family 9 member A6; plus strand). Cytogenetic location: Xq26.3.
Variant type: single nucleotide variant.
Coding change: c.1186G>T on transcript NM_001379110.1 (MANE Select); coding-DNA position 1186, G replaced by T.
Protein change: p.Gly396Ter; replaces glycine 396 with a stop codon.
Molecular consequence: nonsense.
Genome position (GRCh38, 1-based): chrX:136,016,750, G>T. VCF-style: chrX-136016750-G-T. GRCh37 (hg19) VCF-style: chrX-135098909-G-T.
Other names: c.1186G>T, p.Gly396Ter (NM_001400911.1, NM_001400912.1, NM_001177651.2 and 2 more transcripts); c.1342G>T, p.Gly448Ter (NM_001042537.2); c.1090G>T, p.Gly364Ter (NM_001330652.2, NM_001400913.1); c.1246G>T, p.Gly416Ter (NM_006359.3); short protein forms G396*, G448*, G364*, G416*.
Identifiers: ClinVar variation 3655414 (VCV003655414.2).
Genomic context (GRCh38, chrX:136,016,750, plus strand): 5'-TACATGGGGCTGACACTGTTCACCTTCCAGAACCATGTCTTTAACCCAACATTTGTAGTA[G>T]GAGCATTTGTATCCTTTATTATGTGTTTTATTTTGAAAATATTTTTAATTGAGATTTTCA-3'